The following is an entry in ClinVar:

NM_000338.3(SLC12A1):c.2244T>G (p.Tyr748Ter)

Gene: SLC12A1 (solute carrier family 12 member 1; plus strand). Cytogenetic location: 15q21.1.
Variant type: single nucleotide variant.
Coding change: c.2244T>G on transcript NM_000338.3 (MANE Select); coding-DNA position 2244, T replaced by G.
Protein change: p.Tyr748Ter; replaces tyrosine 748 with a stop codon.
Molecular consequence: nonsense.
Genome position (GRCh38, 1-based): chr15:48,267,650, T>G. VCF-style: chr15-48267650-T-G. GRCh37 (hg19) VCF-style: chr15-48559847-T-G.
Other names: c.2244T>G, p.Tyr748Ter (NM_001184832.2, NM_001384136.1); short protein forms Y748*.
Identifiers: ClinVar variation 2706867 (VCV002706867.3), dbSNP rs773964647, ClinGen allele CA392315196.

ClinVar aggregate classification (germline): Pathogenic (1 of 4 stars; one submission).

Submission:

Labcorp Genetics (formerly Invitae), Labcorp
Classification: Pathogenic. Last evaluated: 2024-01-01. Review status: criteria provided, single submitter. Criteria: Invitae Variant Classification Sherloc (09022015). Collection method: clinical testing. Allele origin: germline.
Comment: This sequence change creates a premature translational stop signal (p.Tyr748*) in the SLC12A1 gene. It is expected to result in an absent or disrupted protein product. Loss-of-function variants in SLC12A1 are known to be pathogenic (PMID: 8640224, 9585600, 19096086). This variant is not present in population databases (gnomAD no frequency). This variant has not been reported in the literature in individuals affected with SLC12A1-related conditions. For these reasons, this variant has been classified as Pathogenic.

Literature cited by the submitters: PubMed 8640224; PubMed 9585600; PubMed 19096086.